The following is an entry in ClinVar:

ClinVar aggregate classification (germline): Uncertain significance. Review status: criteria provided, multiple submitters, no conflicts (2 of 4 stars). 2 submissions from 2 submitters: Uncertain significance (2). Last evaluated 2023-08-16.

Conditions:
Charcot-Marie-Tooth disease axonal type 2Z. Also called: CHARCOT-MARIE-TOOTH DISEASE, AXONAL, AUTOSOMAL DOMINANT, TYPE 2Z; CHARCOT-MARIE-TOOTH NEUROPATHY, TYPE 2Z. Identifiers: Orphanet 466768, MedGen C5569025, MONDO:0014736, OMIM 616688.

Allele frequency attached by ClinVar (database versions not stated): ExAC 0.00001; gnomAD 0.00001; gnomAD exomes 0.00001; TOPMed 0.00002.
gnomAD v4.1: 34 of 1,613,966 alleles (0.0021%); highest among the groups gnomAD compares: Non-Finnish European, 0.0029%; no homozygotes.

Submissions (2):

Labcorp Genetics (formerly Invitae), Labcorp
Classification: Uncertain significance for Charcot-Marie-Tooth disease axonal type 2Z. Last evaluated: 2023-08-16. Review status: criteria provided, single submitter. Criteria: Invitae Variant Classification Sherloc (09022015). Collection method: clinical testing. Allele origin: germline.
Comment: Advanced modeling of protein sequence and biophysical properties (such as structural, functional, and spatial information, amino acid conservation, physicochemical variation, residue mobility, and thermodynamic stability) performed at Invitae indicates that this missense variant is not expected to disrupt MORC2 protein function. This sequence change replaces serine, which is neutral and polar, with glycine, which is neutral and non-polar, at codon 926 of the MORC2 protein (p.Ser926Gly). This variant is present in population databases (rs768569356, gnomAD 0.002%). This variant has not been reported in the literature in individuals affected with MORC2-related conditions. ClinVar contains an entry for this variant (Variation ID: 640804). Algorithms developed to predict the effect of sequence changes on RNA splicing suggest that this variant may create or strengthen a splice site. In summary, the available evidence is currently insufficient to determine the role of this variant in disease. Therefore, it has been classified as a Variant of Uncertain Significance.

Baylor Genetics
Classification: Uncertain significance for Charcot-Marie-Tooth disease axonal type 2Z. Last evaluated: 2018-05-27. Review status: criteria provided, single submitter. Criteria: ACMG Guidelines, 2015. Collection method: clinical testing. Allele origin: unknown. Affected: yes.
Comment: This variant was determined to be of uncertain significance according to ACMG Guidelines, 2015 [PMID:25741868].

NM_001303256.3(MORC2):c.2776A>G (p.Ser926Gly)

Gene: MORC2 (MORC family CW-type zinc finger 2; minus strand). Cytogenetic location: 22q12.2.
Variant type: single nucleotide variant.
Coding change: c.2776A>G on transcript NM_001303256.3 (MANE Select); coding-DNA position 2776, A replaced by G.
Protein change: p.Ser926Gly; replaces serine 926 with glycine.
Molecular consequence: missense variant.
Genome position (GRCh38, 1-based): chr22:30,932,424, T>C on the plus strand (A>G on the coding strand, the complement: MORC2 is on the minus strand). VCF-style: chr22-30932424-T-C. GRCh37 (hg19) VCF-style: chr22-31328411-T-C.
Other names: c.2776A>G, p.Ser926Gly (NM_001303257.2); c.2590A>G, p.Ser864Gly (NM_014941.3); short protein forms S864G, S926G.
Identifiers: ClinVar variation 640804 (VCV000640804.10), dbSNP rs768569356, ClinGen allele CA10186553.